The following is an entry in ClinVar:

ClinVar aggregate classification (germline): Conflicting classifications of pathogenicity. Review status: criteria provided, conflicting classifications (1 of 4 stars). 3 submissions from 3 submitters: Uncertain significance (2); Likely benign (1). Last evaluated 2025-06-23.

Conditions:
Malignant hyperthermia, susceptibility to, 5 (MHS5). Also called: CACNA1S-Related Malignant Hyperthermia Susceptibility. Identifiers: Orphanet 423, MedGen C1866077, MONDO:0011163, OMIM 601887.
Hypokalemic periodic paralysis, type 1. Also called: HypoPP; Hypokalemic Periodic Paralysis Type 1 (AD). Identifiers: Orphanet 681, MedGen C3714580, MONDO:0042979, OMIM 170400.

Allele frequency attached by ClinVar (database versions not stated): gnomAD exomes 0.00001; TOPMed 0.00002; gnomAD 0.00003.

Submissions (3):

Color Diagnostics, LLC DBA Color Health
Classification: Uncertain significance for Malignant hyperthermia, susceptibility to, 5. Last evaluated: 2025-06-23. Review status: criteria provided, single submitter. Criteria: ACMG Guidelines, 2015. Collection method: clinical testing. Allele origin: germline.
Comment: This missense variant replaces valine with isoleucine at codon 144 of the CACNA1S protein. Computational prediction suggests that this variant may not impact protein structure and function. To our knowledge, functional studies have not been reported for this variant. This variant has not been reported in individuals affected with CACNA1S-related disorders in the literature. This variant has been identified in 3/251490 chromosomes in the general population by the Genome Aggregation Database (gnomAD). The available evidence is insufficient to determine the role of this variant in disease conclusively. Therefore, this variant is classified as a Variant of Uncertain Significance.

Labcorp Genetics (formerly Invitae), Labcorp
Classification: Likely benign for Hypokalemic periodic paralysis, type 1; Malignant hyperthermia, susceptibility to, 5. Last evaluated: 2024-10-30. Review status: criteria provided, single submitter. Criteria: Invitae Variant Classification Sherloc (09022015). Collection method: clinical testing. Allele origin: germline.

All of Us Research Program, National Institutes of Health
Classification: Uncertain significance for Malignant hyperthermia, susceptibility to, 5. Last evaluated: 2023-06-28. Review status: criteria provided, single submitter. Criteria: ACMG Guidelines, 2015. Collection method: clinical testing. Allele origin: germline. Inheritance: Autosomal dominant inheritance. Observed: 1 variant allele, 1 heterozygote.
Comment: This study involves interpretation of variants in research participants for the purpose of population health screening. Participant phenotype was not available at the time of variant classification. Additional details can be found in publication PMID: 35346344, PMCID: PMC8962531

NM_000069.3(CACNA1S):c.430G>A (p.Val144Ile)

Gene: CACNA1S (calcium voltage-gated channel subunit alpha1 S; minus strand). Cytogenetic location: 1q32.1.
Variant type: single nucleotide variant.
Coding change: c.430G>A on transcript NM_000069.3 (MANE Select); coding-DNA position 430, G replaced by A.
Protein change: p.Val144Ile; replaces valine 144 with isoleucine.
Molecular consequence: missense variant.
Genome position (GRCh38, 1-based): chr1:201,092,083, C>T on the plus strand (G>A on the coding strand, the complement: CACNA1S is on the minus strand). VCF-style: chr1-201092083-C-T. GRCh37 (hg19) VCF-style: chr1-201061211-C-T.
Other names: short protein forms V144I.
Identifiers: ClinVar variation 3071729 (VCV003071729.4), dbSNP rs1295305811, ClinGen allele CA344142503.